The following is an entry in ClinVar:

NM_001349253.2(SCN11A):c.1599G>A (p.Met533Ile)

Gene: SCN11A (sodium voltage-gated channel alpha subunit 11; minus strand). Cytogenetic location: 3p22.2.
Variant type: single nucleotide variant.
Coding change: c.1599G>A on transcript NM_001349253.2 (MANE Select); coding-DNA position 1599, G replaced by A.
Protein change: p.Met533Ile; replaces methionine 533 with isoleucine.
Molecular consequence: missense variant.
Genome position (GRCh38, 1-based): chr3:38,905,196, C>T on the plus strand (G>A on the coding strand, the complement: SCN11A is on the minus strand). VCF-style: chr3-38905196-C-T. GRCh37 (hg19) VCF-style: chr3-38946687-C-T.
Other names: c.1599G>A, p.Met533Ile (NM_014139.3); short protein forms M533I.
Identifiers: ClinVar variation 474691 (VCV000474691.9), dbSNP rs769224387, ClinGen allele CA2322265.

ClinVar aggregate classification (germline): Conflicting classifications of pathogenicity. Review status: criteria provided, conflicting classifications (1 of 4 stars). 2 submissions from 2 submitters: Uncertain significance (1); Likely benign (1). Last evaluated 2025-08-18.

Conditions:
Inborn genetic diseases. Identifiers: MedGen C0950123, MeSH D030342.
Hereditary sensory and autonomic neuropathy type 7. Also called: Neuropathy, hereditary sensory and autonomic, type VII; HSAN VII. Identifiers: Orphanet 391397, MedGen C3809882, MONDO:0014244, OMIM 615548.
Familial episodic pain syndrome with predominantly lower limb involvement. Also called: Episodic pain syndrome, familial, 3. Identifiers: Orphanet 391384, Orphanet 391392, MedGen C3809899, MONDO:0014247, OMIM 615552.

Allele frequency attached by ClinVar (database versions not stated): ExAC 0.00002; gnomAD exomes 0.00002 and 0.00006; gnomAD 0.00012 and 0.00013; TOPMed 0.00017.
gnomAD v4.1: 53 of 1,613,888 alleles (0.0033%); highest among the groups gnomAD compares: Admixed American, 0.053%; no homozygotes.

Submissions (2):

Labcorp Genetics (formerly Invitae), Labcorp
Classification: Uncertain significance for Familial episodic pain syndrome with predominantly lower limb involvement; Hereditary sensory and autonomic neuropathy type 7. Last evaluated: 2025-08-18. Review status: criteria provided, single submitter. Criteria: Invitae Variant Classification Sherloc (09022015). Collection method: clinical testing. Allele origin: germline.
Comment: This sequence change replaces methionine, which is neutral and non-polar, with isoleucine, which is neutral and non-polar, at codon 533 of the SCN11A protein (p.Met533Ile). The frequency data for this variant in the population databases is considered unreliable, as metrics indicate poor data quality at this position in the gnomAD database. This variant has not been reported in the literature in individuals affected with SCN11A-related conditions. ClinVar contains an entry for this variant (Variation ID: 474691). Invitae Evidence Modeling of protein sequence and biophysical properties (such as structural, functional, and spatial information, amino acid conservation, physicochemical variation, residue mobility, and thermodynamic stability) indicates that this missense variant is not expected to disrupt SCN11A protein function with a negative predictive value of 80%. In summary, the available evidence is currently insufficient to determine the role of this variant in disease. Therefore, it has been classified as a Variant of Uncertain Significance.

Ambry Genetics
Classification: Likely benign for Inborn genetic diseases. Last evaluated: 2022-02-02. Review status: criteria provided, single submitter. Criteria: Ambry Variant Classification Scheme 2023. Collection method: clinical testing. Allele origin: germline.